The following is an entry in ClinVar:

ClinVar aggregate classification (germline): Uncertain significance (1 of 4 stars; one submission).

Submission:

Ambry Genetics
Classification: Uncertain significance. Last evaluated: 2023-06-11. Review status: criteria provided, single submitter. Criteria: Ambry Variant Classification Scheme 2023. Collection method: clinical testing. Allele origin: germline.
Comment: The p.N1791S variant (also known as c.5372A>G), located in coding exon 16 of the POLQ gene, results from an A to G substitution at nucleotide position 5372. The asparagine at codon 1791 is replaced by serine, an amino acid with highly similar properties. This amino acid position is conserved. In addition, this alteration is predicted to be tolerated by in silico analysis. Since supporting evidence is limited at this time, the clinical significance of this alteration remains unclear.

NM_199420.4(POLQ):c.5372A>G (p.Asn1791Ser)

Gene: POLQ (DNA polymerase theta; minus strand). Cytogenetic location: 3q13.33.
Variant type: single nucleotide variant.
Coding change: c.5372A>G on transcript NM_199420.4 (MANE Select); coding-DNA position 5372, A replaced by G.
Protein change: p.Asn1791Ser; replaces asparagine 1791 with serine.
Molecular consequence: missense variant.
Genome position (GRCh38, 1-based): chr3:121,487,559, T>C on the plus strand (A>G on the coding strand, the complement: POLQ is on the minus strand). VCF-style: chr3-121487559-T-C. GRCh37 (hg19) VCF-style: chr3-121206406-T-C.
Other names: short protein forms N1791S.
Identifiers: ClinVar variation 2563896 (VCV002563896.2), dbSNP rs2546784808, ClinGen allele CA354090376.